The following is an entry in ClinVar:

ClinVar aggregate classification (germline): Pathogenic. Review status: criteria provided, multiple submitters, no conflicts (2 of 4 stars). 2 submissions from 2 submitters: Pathogenic (2). Last evaluated 2025-08-13.

Conditions:
Neurofibromatosis, type 1 (NF1). Also called: VON RECKLINGHAUSEN DISEASE; Neurofibromatosis, type I; Peripheral type neurofibromatosis; NEUROFIBROMATOSIS, TYPE I, SOMATIC. Identifiers: Orphanet 636, MedGen C0027831, MONDO:0018975, OMIM 162200. Disease mechanism: loss of function.

Submissions (2):

Labcorp Genetics (formerly Invitae), Labcorp
Classification: Pathogenic for Neurofibromatosis, type 1. Last evaluated: 2025-08-13. Review status: criteria provided, single submitter. Criteria: Invitae Variant Classification Sherloc (09022015). Collection method: clinical testing. Allele origin: germline.
Comment: This sequence change creates a premature translational stop signal (p.Leu1252*) in the NF1 gene. It is expected to result in an absent or disrupted protein product. Loss-of-function variants in NF1 are known to be pathogenic (PMID: 10712197, 23913538). This variant is not present in population databases (gnomAD no frequency). This variant has not been reported in the literature in individuals affected with NF1-related conditions. ClinVar contains an entry for this variant (Variation ID: 3248546). For these reasons, this variant has been classified as Pathogenic.

NHS Central & South Genomic Laboratory Hub
Classification: Pathogenic for Neurofibromatosis type 1. Last evaluated: 2024-07-01. Review status: criteria provided, single submitter. Criteria: ACMG Guidelines, 2015. Collection method: clinical testing. Allele origin: germline. Affected: yes.

Literature cited by the submitters: PubMed 10712197 (cited by Labcorp Genetics (formerly Invitae), Labcorp); PubMed 23913538 (cited by Labcorp Genetics (formerly Invitae), Labcorp).

NM_001042492.3(NF1):c.3755T>G (p.Leu1252Ter)

Gene: NF1 (neurofibromin 1; plus strand). Cytogenetic location: 17q11.2.
Variant type: single nucleotide variant.
Coding change: c.3755T>G on transcript NM_001042492.3 (MANE Select); coding-DNA position 3755, T replaced by G.
Protein change: p.Leu1252Ter; replaces leucine 1252 with a stop codon.
Molecular consequence: nonsense.
Genome position (GRCh38, 1-based): chr17:31,235,657, T>G. VCF-style: chr17-31235657-T-G. GRCh37 (hg19) VCF-style: chr17-29562675-T-G.
Other names: c.3755T>G, p.Leu1252Ter (NM_000267.4); short protein forms L1252*.
Identifiers: ClinVar variation 3248546 (VCV003248546.2), dbSNP rs2067186801.